The following is an entry in ClinVar:

ClinVar aggregate classification (germline): Conflicting classifications of pathogenicity. Review status: criteria provided, conflicting classifications (1 of 4 stars). 2 submissions from 2 submitters: Uncertain significance (1); Likely benign (1). Last evaluated 2023-03-23.

Conditions:
Hereditary cancer-predisposing syndrome. Also called: Hereditary neoplastic syndrome; Tumor predisposition; Hereditary Cancer Syndrome; Neoplastic Syndromes, Hereditary. Identifiers: Orphanet 140162, MedGen C0027672, MeSH D009386, MONDO:0015356.
Hereditary breast ovarian cancer syndrome. Also called: Hereditary breast and ovarian cancer syndrome; BRCA1- and BRCA2-Associated Hereditary Breast and Ovarian Cancer; Hereditary breast and ovarian cancer syndrome (HBOC); Hereditary breast and/or ovarian cancer syndrome; Hereditary breast and ovarian cancer; Breast and ovarian cancer. Identifiers: Orphanet 145, MedGen C0677776, MeSH D061325, MONDO:0003582. Disease mechanism: loss of function.

Submissions (2):

University of Washington Department of Laboratory Medicine, University of Washington
Classification: Likely benign for Hereditary cancer-predisposing syndrome. Last evaluated: 2023-03-23. Review status: criteria provided, single submitter. Criteria: Dines et al. (Genet Med. 2020). Collection method: curation. Allele origin: germline.
Comment: Missense variant in a coldspot region where missense variants are very unlikely to be pathogenic (PMID:31911673).

BRCA1 coldspot (exon 11 using historical exon numbering). Reclassification based on statistical prior probability

Labcorp Genetics (formerly Invitae), Labcorp
Classification: Uncertain significance for Hereditary breast ovarian cancer syndrome. Last evaluated: 2022-04-11. Review status: criteria provided, single submitter. Criteria: Invitae Variant Classification Sherloc (09022015). Collection method: clinical testing. Allele origin: germline.
Comment: This sequence change replaces asparagine, which is neutral and polar, with aspartic acid, which is acidic and polar, at codon 685 of the BRCA1 protein (p.Asn685Asp). This variant is not present in population databases (gnomAD no frequency). This variant has not been reported in the literature in individuals affected with BRCA1-related conditions. Advanced modeling of protein sequence and biophysical properties (such as structural, functional, and spatial information, amino acid conservation, physicochemical variation, residue mobility, and thermodynamic stability) performed at Invitae indicates that this missense variant is not expected to disrupt BRCA1 protein function. In summary, the available evidence is currently insufficient to determine the role of this variant in disease. Therefore, it has been classified as a Variant of Uncertain Significance.

NM_007294.4(BRCA1):c.2053A>G (p.Asn685Asp)

Gene: BRCA1 (BRCA1 DNA repair associated; minus strand). Cytogenetic location: 17q21.31.
Variant type: single nucleotide variant.
Coding change: c.2053A>G on transcript NM_007294.4 (MANE Select); coding-DNA position 2053, A replaced by G.
Protein change: p.Asn685Asp; replaces asparagine 685 with aspartic acid.
Molecular consequence: missense variant. On other transcripts: intron variant (137).
Genome position (GRCh38, 1-based): chr17:43,093,478, T>C on the plus strand (A>G on the coding strand, the complement: BRCA1 is on the minus strand). VCF-style: chr17-43093478-T-C. GRCh37 (hg19) VCF-style: chr17-41245495-T-C.
Other names: c.1840A>G, p.Asn614Asp (NM_001407571.1, NM_001407853.1, NM_001407894.1 and 9 more transcripts); c.2053A>G, p.Asn685Asp (NM_001407581.1, NM_001407582.1, NM_001407583.1 and 30 more transcripts); c.2050A>G, p.Asn684Asp (NM_001407587.1, NM_001407590.1, NM_001407591.1 and 22 more transcripts); c.2044A>G, p.Asn682Asp (NM_001407646.1, NM_001407647.1); c.1930A>G, p.Asn644Asp (NM_001407648.1, NM_001407664.1, NM_001407665.1 and 19 more transcripts); c.1927A>G, p.Asn643Asp (NM_001407649.1, NM_001407670.1, NM_001407671.1 and 11 more transcripts); c.1975A>G, p.Asn659Asp (NM_001407653.1, NM_001407654.1, NM_001407655.1 and 4 more transcripts); c.1972A>G, p.Asn658Asp (NM_001407659.1, NM_001407660.1, NM_001407661.1 and 1 more transcripts); and 40 more; short protein forms N574D, N614D, N615D, N617D, N643D, N682D, N517D, N573D.
Identifiers: ClinVar variation 2124491 (VCV002124491.6), dbSNP rs2154401935, ClinGen allele CA10597899.